The following is an entry in ClinVar:

ClinVar aggregate classification (germline): Uncertain significance. Review status: criteria provided, multiple submitters, no conflicts (2 of 4 stars). 4 submissions from 4 submitters: Uncertain significance (4). Last evaluated 2026-04-05.

Conditions:
Malignant hyperthermia, susceptibility to, 1 (MHS1). Also called: Anesthesia related hyperthermia; Malignant hyperpyrexia; Fulminating hyperpyrexia; Pharmacogenic myopathy; RYR1-Related Malignant Hyperthermia Susceptibility; Malignant hyperthermia suceptibility 1. Identifiers: Orphanet 423, MedGen C2930980, MONDO:0007783, OMIM 145600.
RYR1-related disorder. Also called: RYR1-related condition; RYR1-related disorders. Identifiers: MedGen CN239331.
Inborn genetic diseases. Identifiers: MedGen C0950123, MeSH D030342.

gnomAD v4.1: 21 of 1,614,124 alleles (0.0013%); highest among the groups gnomAD compares: Non-Finnish European, 0.0017%; no homozygotes.

Submissions (4):

PreventionGenetics, part of Exact Sciences
Classification: Uncertain significance for RYR1-related condition. Last evaluated: 2026-04-05. Review status: criteria provided, single submitter. Criteria: ACMG Guidelines, 2015. Collection method: clinical testing. Allele origin: germline.
Comment: The RYR1 c.7996G>A variant is predicted to result in the amino acid substitution p.Val2666Ile. To our knowledge, this variant has not been reported in the literature. This variant is reported in 0.0033% of alleles in individuals of South Asian descent in gnomAD. At this time, the clinical significance of this variant is uncertain due to the absence of conclusive functional and genetic evidence.

Ambry Genetics
Classification: Uncertain significance for Inborn genetic diseases. Last evaluated: 2025-10-28. Review status: criteria provided, single submitter. Criteria: Ambry Variant Classification Scheme 2023. Collection method: clinical testing. Allele origin: germline.

Color Diagnostics, LLC DBA Color Health
Classification: Uncertain significance for Malignant hyperthermia, susceptibility to, 1. Last evaluated: 2025-08-07. Review status: criteria provided, single submitter. Criteria: ACMG Guidelines, 2015. Collection method: clinical testing. Allele origin: germline.
Comment: This missense variant replaces valine with isoleucine at codon 2666 of the RYR1 protein. Computational prediction suggests that this variant may not impact protein structure and function. To our knowledge, functional studies have not been reported for this variant. This variant has not been reported in individuals affected with RYR1-related disorders in the literature. This variant has been identified in 1/251354 chromosomes in the general population by the Genome Aggregation Database (gnomAD). The available evidence is insufficient to determine the role of this variant in disease conclusively. Therefore, this variant is classified as a Variant of Uncertain Significance.

Labcorp Genetics (formerly Invitae), Labcorp
Classification: Uncertain significance for RYR1-related disorder. Last evaluated: 2025-02-10. Review status: criteria provided, single submitter. Criteria: Invitae Variant Classification Sherloc (09022015). Collection method: clinical testing. Allele origin: germline.
Comment: This sequence change replaces valine, which is neutral and non-polar, with isoleucine, which is neutral and non-polar, at codon 2666 of the RYR1 protein (p.Val2666Ile). This variant is present in population databases (rs764987932, gnomAD 0.003%). This variant has not been reported in the literature in individuals affected with RYR1-related conditions. Invitae Evidence Modeling of protein sequence and biophysical properties (such as structural, functional, and spatial information, amino acid conservation, physicochemical variation, residue mobility, and thermodynamic stability) indicates that this missense variant is not expected to disrupt RYR1 protein function with a negative predictive value of 80%. In summary, the available evidence is currently insufficient to determine the role of this variant in disease. Therefore, it has been classified as a Variant of Uncertain Significance.

NM_000540.3(RYR1):c.7996G>A (p.Val2666Ile)

Gene: RYR1 (ryanodine receptor 1; plus strand). Cytogenetic location: 19q13.2.
Variant type: single nucleotide variant.
Coding change: c.7996G>A on transcript NM_000540.3 (MANE Select); coding-DNA position 7996, G replaced by A.
Protein change: p.Val2666Ile; replaces valine 2666 with isoleucine.
Molecular consequence: missense variant.
Genome position (GRCh38, 1-based): chr19:38,504,289, G>A. VCF-style: chr19-38504289-G-A. GRCh37 (hg19) VCF-style: chr19-38994929-G-A.
Other names: c.7996G>A, p.Val2666Ile (NM_001042723.2); short protein forms V2666I.
Identifiers: ClinVar variation 4629741 (VCV004629741.4).